The following is an entry in ClinVar:

ClinVar aggregate classification (germline): Pathogenic (1 of 4 stars; one submission).

Conditions:
Congenital myasthenic syndrome 12 (CMS12). Also called: MYASTHENIC SYNDROME, CONGENITAL, WITH TUBULAR AGGREGATES 1; Myasthenia, congenital, 12, with tubular aggregates. Identifiers: Orphanet 353327, Orphanet 590, MedGen C3552335, MONDO:0012518, OMIM 610542.

Submission:

Labcorp Genetics (formerly Invitae), Labcorp
Classification: Pathogenic for Congenital myasthenic syndrome 12. Last evaluated: 2022-02-09. Review status: criteria provided, single submitter. Criteria: Invitae Variant Classification Sherloc (09022015). Collection method: clinical testing. Allele origin: germline.
Comment: For these reasons, this variant has been classified as Pathogenic. This variant has not been reported in the literature in individuals affected with GFPT1-related conditions. This variant is not present in population databases (gnomAD no frequency). This sequence change creates a premature translational stop signal (p.Gln243Argfs*37) in the GFPT1 gene. It is expected to result in an absent or disrupted protein product. Loss-of-function variants in GFPT1 are known to be pathogenic (PMID: 23794683).

Literature cited by the submitters: PubMed 23794683.

NM_001244710.2(GFPT1):c.728_729del (p.Gln243fs)

Gene: GFPT1 (glutamine--fructose-6-phosphate transaminase 1; minus strand). Cytogenetic location: 2p13.3.
Variant type: Deletion.
Coding change: c.728_729del on transcript NM_001244710.2 (MANE Select); coding-DNA positions 728 to 729, 2 bases deleted (AG; older notation c.728_729delAG).
Protein change: p.Gln243fs; shifts the reading frame from glutamine 243.
Molecular consequence: frameshift variant. On other transcripts: intron variant (1).
Genome position (GRCh38, 1-based): chr2:69,354,269-69,354,270, CT deleted on the plus strand (AG on the coding strand, the reverse complement: GFPT1 is on the minus strand). VCF-style (leftmost placement, unchanged base first): chr2-69354268-CCT-C. GRCh37 (hg19) VCF-style: chr2-69581400-CCT-C.
Other names: c.685+219_685+220del (NM_002056.4); short protein forms Q243fs.
Identifiers: ClinVar variation 1927249 (VCV001927249.5), dbSNP rs1671280764, ClinGen allele CA1031924534.